The following is an entry in ClinVar:

NM_001128148.3(TFRC):c.893T>C (p.Phe298Ser)

Gene: TFRC (transferrin receptor; minus strand). Cytogenetic location: 3q29.
Variant type: single nucleotide variant.
Coding change: c.893T>C on transcript NM_001128148.3 (MANE Select); coding-DNA position 893, T replaced by C.
Protein change: p.Phe298Ser; replaces phenylalanine 298 with serine.
Molecular consequence: missense variant.
Genome position (GRCh38, 1-based): chr3:196,068,039, A>G on the plus strand (T>C on the coding strand, the complement: TFRC is on the minus strand). VCF-style: chr3-196068039-A-G. GRCh37 (hg19) VCF-style: chr3-195794910-A-G.
Other names: c.650T>C, p.Phe217Ser (NM_001313965.2); c.47T>C, p.Phe16Ser (NM_001313966.2); c.893T>C, p.Phe298Ser (NM_003234.4); c.893T>C (NM_003234.2); short protein forms F16S, F217S, F298S.
Identifiers: ClinVar variation 1354171 (VCV001354171.9), dbSNP rs751558521, ClinGen allele CA2778156.

ClinVar aggregate classification (germline): Uncertain significance. Review status: criteria provided, multiple submitters, no conflicts (2 of 4 stars). 2 submissions from 2 submitters: Uncertain significance (2). Last evaluated 2025-10-20.

Conditions:
Inborn genetic diseases. Identifiers: MedGen C0950123, MeSH D030342.

Allele frequency attached by ClinVar (database versions not stated): gnomAD exomes 0.00002 and 0.00006; TOPMed 0.00003; ExAC 0.00004; gnomAD 0.00004.
gnomAD v4.1: 95 of 1,611,750 alleles (0.0059%); highest among the groups gnomAD compares: Non-Finnish European, 0.0079%; no homozygotes.

Submissions (2):

Labcorp Genetics (formerly Invitae), Labcorp
Classification: Uncertain significance. Last evaluated: 2025-10-20. Review status: criteria provided, single submitter. Criteria: Invitae Variant Classification Sherloc (09022015). Collection method: clinical testing. Allele origin: germline.
Comment: This sequence change replaces phenylalanine, which is neutral and non-polar, with serine, which is neutral and polar, at codon 298 of the TFRC protein (p.Phe298Ser). This variant is present in population databases (rs751558521, gnomAD 0.004%). This variant has not been reported in the literature in individuals affected with TFRC-related conditions. ClinVar contains an entry for this variant (Variation ID: 1354171). Invitae Evidence Modeling of protein sequence and biophysical properties (such as structural, functional, and spatial information, amino acid conservation, physicochemical variation, residue mobility, and thermodynamic stability) indicates that this missense variant is not expected to disrupt TFRC protein function with a negative predictive value of 80%. In summary, the available evidence is currently insufficient to determine the role of this variant in disease. Therefore, it has been classified as a Variant of Uncertain Significance.

Ambry Genetics
Classification: Uncertain significance for Inborn genetic diseases. Last evaluated: 2025-08-02. Review status: criteria provided, single submitter. Criteria: Ambry Variant Classification Scheme 2023. Collection method: clinical testing. Allele origin: germline.